The following is an entry in ClinVar:

ClinVar aggregate classification (germline): Conflicting classifications of pathogenicity. Review status: criteria provided, conflicting classifications (1 of 4 stars). 5 submissions from 5 submitters: Uncertain significance (4); Likely benign (1). Last evaluated 2024-04-26.

Conditions:
Wilson disease (WND). Also called: Wilson's disease. Identifiers: Orphanet 905, MedGen C0019202, MONDO:0010200, OMIM 277900. Disease mechanism: loss of function.

Allele frequency attached by ClinVar (database versions not stated): ExAC 0.00002; gnomAD 0.00002 and 0.00003; gnomAD exomes 0.00003; TOPMed 0.00003.
gnomAD v4.1: 36 of 1,614,034 alleles (0.0022%); highest among the groups gnomAD compares: East Asian, 0.0067%; no homozygotes.

Submissions (5):

Fulgent Genetics
Classification: Uncertain significance for Wilson disease. Last evaluated: 2024-04-26. Review status: criteria provided, single submitter. Criteria: ACMG Guidelines, 2015. Collection method: clinical testing. Allele origin: germline.

All of Us Research Program, National Institutes of Health
Classification: Uncertain significance for Wilson disease. Last evaluated: 2024-01-11. Review status: criteria provided, single submitter. Criteria: ACMG Guidelines, 2015. Collection method: clinical testing. Allele origin: germline. Inheritance: Autosomal recessive inheritance. Observed: 5 variant alleles, 5 heterozygotes.
Comment: This missense variant replaces threonine with methionine at codon 587 of the ATP7B protein. Computational prediction suggests that this variant may not impact protein structure and function (internally defined REVEL score threshold <= 0.5, PMID: 27666373). To our knowledge, functional studies have not been reported for this variant. This variant has been reported in an individual affected with Wilson disease (PMID: 27022412). This variant has been identified in 7/249564 chromosomes in the general population by the Genome Aggregation Database (gnomAD). The available evidence is insufficient to determine the role of this variant in disease conclusively. Therefore, this variant is classified as a Variant of Uncertain Significance.

This study involves interpretation of variants in research participants for the purpose of population health screening. Participant phenotype was not available at the time of variant classification. Additional details can be found in publication PMID: 35346344, PMCID: PMC8962531

Color Diagnostics, LLC DBA Color Health
Classification: Uncertain significance for Wilson disease. Last evaluated: 2022-11-08. Review status: criteria provided, single submitter. Criteria: ACMG Guidelines, 2015. Collection method: clinical testing. Allele origin: germline.
Comment: This missense variant replaces threonine with methionine at codon 587 of the ATP7B protein. Computational prediction suggests that this variant may not impact protein structure and function. To our knowledge, functional studies have not been reported for this variant. This variant has been reported in an individual affected with Wilson disease (PMID: 27022412). This variant has been identified in 7/249564 chromosomes in the general population by the Genome Aggregation Database (gnomAD). The available evidence is insufficient to determine the role of this variant in disease conclusively. Therefore, this variant is classified as a Variant of Uncertain Significance.

Labcorp Genetics (formerly Invitae), Labcorp
Classification: Uncertain significance for Wilson disease. Last evaluated: 2021-08-27. Review status: criteria provided, single submitter. Criteria: Invitae Variant Classification Sherloc (09022015). Collection method: clinical testing. Allele origin: germline.
Comment: This sequence change replaces threonine with methionine at codon 587 of the ATP7B protein (p.Thr587Met). The threonine residue is moderately conserved and there is a moderate physicochemical difference between threonine and methionine. This variant is present in population databases (rs757716093, ExAC 0.004%). This variant has not been reported in the literature in individuals affected with ATP7B-related conditions. ClinVar contains an entry for this variant (Variation ID: 385010). Algorithms developed to predict the effect of missense changes on protein structure and function output the following: SIFT: "Tolerated"; PolyPhen-2: "Benign"; Align-GVGD: "Class C0". The methionine amino acid residue is found in multiple mammalian species, which suggests that this missense change does not adversely affect protein function. In summary, the available evidence is currently insufficient to determine the role of this variant in disease. Therefore, it has been classified as a Variant of Uncertain Significance.

GeneDx
Classification: Likely benign. Last evaluated: 2016-04-12. Review status: criteria provided, single submitter. Criteria: GeneDx Variant Classification (06012015). Collection method: clinical testing. Allele origin: germline. Affected: yes.
Comment: This variant is considered likely benign or benign based on one or more of the following criteria: it is a conservative change, it occurs at a poorly conserved position in the protein, it is predicted to be benign by multiple in silico algorithms, and/or has population frequency not consistent with disease.

Literature cited by the submitters: PubMed 27022412 (cited by All of Us Research Program, National Institutes of Health and Color Diagnostics, LLC DBA Color Health).

NM_000053.4(ATP7B):c.1760C>T (p.Thr587Met)

Gene: ATP7B (ATPase copper transporting beta; minus strand). Cytogenetic location: 13q14.3.
Variant type: single nucleotide variant.
Coding change: c.1760C>T on transcript NM_000053.4 (MANE Select); coding-DNA position 1760, C replaced by T.
Protein change: p.Thr587Met; replaces threonine 587 with methionine.
Molecular consequence: missense variant.
Genome position (GRCh38, 1-based): chr13:51,964,981, G>A on the plus strand (C>T on the coding strand, the complement: ATP7B is on the minus strand). VCF-style: chr13-51964981-G-A. GRCh37 (hg19) VCF-style: chr13-52539117-G-A.
Other names: c.1760C>T, p.Thr587Met (NM_001005918.3, NM_001330578.2, NM_001330579.2); c.1427C>T, p.Thr476Met (NM_001243182.2); short protein forms T587M, T476M.
Identifiers: ClinVar variation 385010 (VCV000385010.8), dbSNP rs757716093, ClinGen allele CA6989232.